The following is an entry in ClinVar:

ClinVar aggregate classification (germline): Likely benign. Review status: criteria provided, multiple submitters, no conflicts (2 of 4 stars). 2 submissions from 2 submitters: Likely benign (2). Last evaluated 2024-06-07.

Conditions:
Ataxia-telangiectasia syndrome (AT). Also called: LOUIS-BAR SYNDROME; Cerebello-oculocutaneous telangiectasia; Immunodeficiency with ataxia telangiectasia; Ataxia-telangiectasia, complementation group D; AT, COMPLEMENTATION GROUP C; Ataxia-telangiectasia, complementation group E. Identifiers: Orphanet 100, MedGen C0004135, MONDO:0008840, OMIM 208900.
Familial cancer of breast. Also called: Hereditary breast cancer; BREAST CANCER, FAMILIAL; hereditary breast carcinoma. Identifiers: Orphanet 227535, MedGen C0346153, MONDO:0016419, OMIM 114480. Disease mechanism: loss of function.

Submissions (2):

Myriad Genetics, Inc.
Classification: Likely benign for Familial cancer of breast. Last evaluated: 2024-06-07. Review status: criteria provided, single submitter. Criteria: Myriad Autosomal Dominant, Autosomal Recessive and X-Linked Classification Criteria (2023). Collection method: clinical testing. Allele origin: unknown.
Comment: This variant is considered likely benign. This variant is intronic and is not expected to impact mRNA splicing.

Labcorp Genetics (formerly Invitae), Labcorp
Classification: Likely benign for Ataxia-telangiectasia syndrome. Last evaluated: 2019-11-21. Review status: criteria provided, single submitter. Criteria: Invitae Variant Classification Sherloc (09022015). Collection method: clinical testing. Allele origin: germline.

NM_000051.4(ATM):c.6573-8G>A

Genes: ATM (ATM serine/threonine kinase; plus strand), C11orf65 (chromosome 11 open reading frame 65; minus strand). Cytogenetic location: 11q22.3.
Variant type: single nucleotide variant.
Coding change: c.6573-8G>A on transcript NM_000051.4 (MANE Select); 8 bases into the intron before coding-DNA position 6573, G replaced by A.
Molecular consequence: intron variant.
Genome position (GRCh38, 1-based): chr11:108,325,302, G>A. VCF-style: chr11-108325302-G-A. GRCh37 (hg19) VCF-style: chr11-108196029-G-A.
Other names: c.*38+9918C>T (NM_001351110.2); c.6573-8G>A (NM_001351834.2); c.641-16231C>T (NM_001330368.2).
Identifiers: ClinVar variation 453637 (VCV000453637.12), dbSNP rs1555118989, ClinGen allele CA658656251.
Genomic context (GRCh38, chr11:108,325,302, plus strand): 5'-TTACATAGTTTTTTTTTTTTTTTTTTTCATTTCTCTTGCTTACATGAACTCTATGTCGTG[G>A]CATTCAGATCAGTCACACATAGACAACTCTCTGAAGTATATATTAAGTGGCAGAAACACT-3'